The following is an entry in ClinVar:

NM_002471.4(MYH6):c.5710G>A (p.Glu1904Lys)

Gene: MYH6 (myosin heavy chain 6; minus strand). Cytogenetic location: 14q11.2.
Variant type: single nucleotide variant.
Coding change: c.5710G>A on transcript NM_002471.4 (MANE Select); coding-DNA position 5710, G replaced by A.
Protein change: p.Glu1904Lys; replaces glutamic acid 1904 with lysine.
Molecular consequence: missense variant.
Genome position (GRCh38, 1-based): chr14:23,382,514, C>T on the plus strand (G>A on the coding strand, the complement: MYH6 is on the minus strand). VCF-style: chr14-23382514-C-T. GRCh37 (hg19) VCF-style: chr14-23851723-C-T.
Other names: short protein forms E1904K.
Identifiers: ClinVar variation 373756 (VCV000373756.3), dbSNP rs1057518591, ClinGen allele CA16042946.
Genomic context (GRCh38, chr14:23,382,514, plus strand): 5'-CTCGAAGCTTGTTGACCTGGGACTCAGCGATGTCCGCCCGCTCCTCTGCCTCATCCAGCT[C>T]ATGCTGCACCTTGCGGAACTTGGACAGGTTGGTGTTGGCTTGCTCCTCCTGTGGTGGGAC-3'
Protein context (NP_002462.2, residues 1894-1914): NLSKFRKVQH[Glu1904Lys]LDEAEERADI

ClinVar aggregate classification (germline): Uncertain significance. Review status: criteria provided, multiple submitters, no conflicts (2 of 4 stars). 2 submissions from 2 submitters: Uncertain significance (2). Last evaluated 2025-04-28.

Conditions:
Cardiovascular phenotype. Identifiers: MedGen CN230736.

Submissions (2):

Ambry Genetics
Classification: Uncertain significance for Cardiovascular phenotype. Last evaluated: 2025-04-28. Review status: criteria provided, single submitter. Criteria: Ambry Variant Classification Scheme 2023. Collection method: clinical testing. Allele origin: germline.

GeneDx
Classification: Uncertain significance. Last evaluated: 2016-12-09. Review status: criteria provided, single submitter. Criteria: GeneDx Variant Classification (06012015). Collection method: clinical testing. Allele origin: germline. Affected: yes.
Comment: The E1904K variant of uncertain significance in the MYH6 gene has not been published as a pathogenic variant, nor has itbeen reported as a benign variant to our knowledge. E1904K was not observed in approximately 6,500 individuals ofEuropean and African American ancestry in the NHLBI Exome Sequencing Project, nor was it observed in the ExomeAggregation Consortium (ExAC), indicating it is not a common benign variant in these populations. The E1904K variant isa non-conservative amino acid substitution, which is likely to impact secondary protein structure as these residues differ inpolarity, charge, size and/or other properties. Moreover, this substitution occurs at a position that is conserved acrossspecies, and in silico analysis predicts this variant is probably damaging to the protein structure/function. Nevertheless, nopathogenic missense variants in nearby residues have been reported in the Human Gene Mutation Database (Stenson et al.,2014), indicating that this region of the gene is not known to harbor disease-causing variants.Therefore, based on the currently available information, it is unclear whether this variant is pathogenic or rare benign. Thisresult cannot be interpreted for diagnosis or used for family member screening at this time.